The following is an entry in ClinVar:

NM_000094.4(COL7A1):c.8782C>T (p.Arg2928Cys)

Gene: COL7A1 (collagen type VII alpha 1 chain; minus strand). Cytogenetic location: 3p21.31.
Variant type: single nucleotide variant.
Coding change: c.8782C>T on transcript NM_000094.4 (MANE Select); coding-DNA position 8782, C replaced by T.
Protein change: p.Arg2928Cys; replaces arginine 2928 with cysteine.
Molecular consequence: missense variant.
Genome position (GRCh38, 1-based): chr3:48,564,819, G>A on the plus strand (C>T on the coding strand, the complement: COL7A1 is on the minus strand). VCF-style: chr3-48564819-G-A. GRCh37 (hg19) VCF-style: chr3-48602252-G-A.
Other names: short protein forms R2928C.
Identifiers: ClinVar variation 2424407 (VCV002424407.5), dbSNP rs1225933099, ClinGen allele CA352632641.
Genomic context (GRCh38, chr3:48,564,819, plus strand): 5'-CCACGGTGGGGGCTCAGCCCATACCTGTCCCCTGGCTCTGGACCACCCGGGGTGGGCAGC[G>A]GCGCTCGCAGGCCTCACGGGTCCCAAAACGGTTGGCATTCCCTCCACAGCCACCATAGAC-3'
Protein context (NP_000085.1, residues 2918-2938): RFGTREACER[Arg2928Cys]CPPRVVQSQG

ClinVar aggregate classification (germline): Uncertain significance (1 of 4 stars; one submission).

Allele frequency attached by ClinVar (database versions not stated): gnomAD 0.00001; gnomAD exomes 0.00001; TOPMed 0.00002.
gnomAD v4.1: 18 of 1,613,872 alleles (0.0011%); highest among the groups gnomAD compares: South Asian, 0.0022%; no homozygotes.

Submission:

Labcorp Genetics (formerly Invitae), Labcorp
Classification: Uncertain significance. Last evaluated: 2024-04-04. Review status: criteria provided, single submitter. Criteria: Invitae Variant Classification Sherloc (09022015). Collection method: clinical testing. Allele origin: germline.
Comment: This sequence change replaces arginine, which is basic and polar, with cysteine, which is neutral and slightly polar, at codon 2928 of the COL7A1 protein (p.Arg2928Cys). This variant is present in population databases (no rsID available, gnomAD 0.004%). This variant has not been reported in the literature in individuals affected with COL7A1-related conditions. ClinVar contains an entry for this variant (Variation ID: 2424407). Advanced modeling of protein sequence and biophysical properties (such as structural, functional, and spatial information, amino acid conservation, physicochemical variation, residue mobility, and thermodynamic stability) has been performed at Invitae for this missense variant, however the output from this modeling did not meet the statistical confidence thresholds required to predict the impact of this variant on COL7A1 protein function. In summary, the available evidence is currently insufficient to determine the role of this variant in disease. Therefore, it has been classified as a Variant of Uncertain Significance.